The following is an entry in ClinVar:

ClinVar aggregate classification (germline): Uncertain significance (1 of 4 stars; one submission).

Conditions:
Autosomal dominant limb-girdle muscular dystrophy type 1F (LGMDD2). Also called: Limb-girdle muscular dystrophy, type 1F; MUSCULAR DYSTROPHY, LIMB-GIRDLE, AUTOSOMAL DOMINANT 2. Identifiers: Orphanet 55595, MedGen C1842062, MONDO:0012034, OMIM 608423.

Allele frequency attached by ClinVar (database versions not stated): gnomAD 0.00001; TOPMed 0.00002.
gnomAD v4.1: 3 of 1,613,994 alleles (0.00019%); highest among the groups gnomAD compares: African/African-American, 0.004%; no homozygotes.

Submission:

Labcorp Genetics (formerly Invitae), Labcorp
Classification: Uncertain significance for Autosomal dominant limb-girdle muscular dystrophy type 1F. Last evaluated: 2025-07-13. Review status: criteria provided, single submitter. Criteria: Invitae Variant Classification Sherloc (09022015). Collection method: clinical testing. Allele origin: germline.
Comment: This sequence change replaces isoleucine, which is neutral and non-polar, with valine, which is neutral and non-polar, at codon 625 of the TNPO3 protein (p.Ile625Val). This variant is present in population databases (no rsID available, gnomAD 0.02%). This variant has not been reported in the literature in individuals affected with TNPO3-related conditions. ClinVar contains an entry for this variant (Variation ID: 464846). Invitae Evidence Modeling of protein sequence and biophysical properties (such as structural, functional, and spatial information, amino acid conservation, physicochemical variation, residue mobility, and thermodynamic stability) indicates that this missense variant is not expected to disrupt TNPO3 protein function with a negative predictive value of 80%. In summary, the available evidence is currently insufficient to determine the role of this variant in disease. Therefore, it has been classified as a Variant of Uncertain Significance.

NM_012470.4(TNPO3):c.1873A>G (p.Ile625Val)

Gene: TNPO3 (transportin 3; minus strand). Cytogenetic location: 7q32.1.
Variant type: single nucleotide variant.
Coding change: c.1873A>G on transcript NM_012470.4 (MANE Select); coding-DNA position 1873, A replaced by G.
Protein change: p.Ile625Val; replaces isoleucine 625 with valine.
Molecular consequence: missense variant. On other transcripts: non-coding transcript variant (14).
Genome position (GRCh38, 1-based): chr7:128,980,018, T>C on the plus strand (A>G on the coding strand, the complement: TNPO3 is on the minus strand). VCF-style: chr7-128980018-T-C. GRCh37 (hg19) VCF-style: chr7-128620072-T-C.
Other names: c.1681A>G, p.Ile561Val (NM_001191028.3, NM_001382223.1); c.1975A>G, p.Ile659Val (NM_001382216.1); c.1954A>G, p.Ile652Val (NM_001382217.1); c.1873A>G, p.Ile625Val (NM_001382218.1, NM_001382220.1); c.1765A>G, p.Ile589Val (NM_001382219.1); c.1729A>G, p.Ile577Val (NM_001382221.1); c.1726A>G, p.Ile576Val (NM_001382222.1); short protein forms I625V, I561V, I576V, I577V, I589V, I652V, I659V.
Identifiers: ClinVar variation 464846 (VCV000464846.12), dbSNP rs1480719788, ClinGen allele CA369222645.